The following is an entry in ClinVar:

NM_001298.3(CNGA3):c.87A>C (p.Glu29Asp)

Gene: CNGA3 (cyclic nucleotide gated channel subunit alpha 3; plus strand). Cytogenetic location: 2q11.2.
Variant type: single nucleotide variant.
Coding change: c.87A>C on transcript NM_001298.3 (MANE Select); coding-DNA position 87, A replaced by C.
Protein change: p.Glu29Asp; replaces glutamic acid 29 with aspartic acid.
Molecular consequence: missense variant.
Genome position (GRCh38, 1-based): chr2:98,370,062, A>C. VCF-style: chr2-98370062-A-C. GRCh37 (hg19) VCF-style: chr2-98986525-A-C.
Other names: c.87A>C, p.Glu29Asp (NM_001079878.2); short protein forms E29D.
Identifiers: ClinVar variation 2116093 (VCV002116093.4), dbSNP rs2466956452, ClinGen allele CA347828904.

ClinVar aggregate classification (germline): Uncertain significance (1 of 4 stars; one submission).

Submission:

Labcorp Genetics (formerly Invitae), Labcorp
Classification: Uncertain significance. Last evaluated: 2022-03-23. Review status: criteria provided, single submitter. Criteria: Invitae Variant Classification Sherloc (09022015). Collection method: clinical testing. Allele origin: germline.
Comment: In summary, the available evidence is currently insufficient to determine the role of this variant in disease. Therefore, it has been classified as a Variant of Uncertain Significance. Advanced modeling of protein sequence and biophysical properties (such as structural, functional, and spatial information, amino acid conservation, physicochemical variation, residue mobility, and thermodynamic stability) performed at Invitae indicates that this missense variant is not expected to disrupt CNGA3 protein function. This variant has not been reported in the literature in individuals affected with CNGA3-related conditions. This variant is not present in population databases (gnomAD no frequency). This sequence change replaces glutamic acid, which is acidic and polar, with aspartic acid, which is acidic and polar, at codon 29 of the CNGA3 protein (p.Glu29Asp).